The following is an entry in ClinVar:

ClinVar aggregate classification (germline): Pathogenic (1 of 4 stars; one submission).

Conditions:
Developmental and epileptic encephalopathy 94 (DEE94). Also called: CHD2-Related Neurodevelopmental Disorders; Epileptic encephalopathy, childhood-onset. Identifiers: Orphanet 1942, Orphanet 2382, MedGen C3809278, MONDO:0014150, OMIM 615369.

Submission:

Labcorp Genetics (formerly Invitae), Labcorp
Classification: Pathogenic for Developmental and epileptic encephalopathy 94. Last evaluated: 2017-10-11. Review status: criteria provided, single submitter. Criteria: Invitae Variant Classification Sherloc (09022015). Collection method: clinical testing. Allele origin: germline.
Comment: This variant has not been reported in the literature in individuals with CHD2-related disease. This sequence change creates a premature translational stop signal (p.Ser1369*) in the CHD2 gene. It is expected to result in an absent or disrupted protein product. This variant is not present in population databases (ExAC no frequency). Loss-of-function variants in CHD2 are known to be pathogenic (PMID: 23708187, 24207121). For these reasons, this variant has been classified as Pathogenic.

Literature cited by the submitters: PubMed 23708187; PubMed 24207121.

NM_001271.4(CHD2):c.4106C>G (p.Ser1369Ter)

Gene: CHD2 (chromodomain helicase DNA binding protein 2; plus strand). Cytogenetic location: 15q26.1.
Variant type: single nucleotide variant.
Coding change: c.4106C>G on transcript NM_001271.4 (MANE Select); coding-DNA position 4106, C replaced by G.
Protein change: p.Ser1369Ter; replaces serine 1369 with a stop codon.
Molecular consequence: nonsense.
Genome position (GRCh38, 1-based): chr15:93,000,609, C>G. VCF-style: chr15-93000609-C-G. GRCh37 (hg19) VCF-style: chr15-93543839-C-G.
Other names: short protein forms S1369*.
Identifiers: ClinVar variation 578850 (VCV000578850.7), dbSNP rs1567159145, ClinGen allele CA393900503.